The following is an entry in ClinVar:

NM_001134831.2(AHI1):c.260C>G (p.Thr87Ser)

Gene: AHI1 (Abelson helper integration site 1; minus strand). Cytogenetic location: 6q23.3.
Variant type: single nucleotide variant.
Coding change: c.260C>G on transcript NM_001134831.2 (MANE Select); coding-DNA position 260, C replaced by G.
Protein change: p.Thr87Ser; replaces threonine 87 with serine.
Molecular consequence: missense variant.
Genome position (GRCh38, 1-based): chr6:135,466,303, G>C on the plus strand (C>G on the coding strand, the complement: AHI1 is on the minus strand). VCF-style: chr6-135466303-G-C. GRCh37 (hg19) VCF-style: chr6-135787441-G-C.
Other names: c.260C>G, p.Thr87Ser (NM_001134830.2, NM_001134832.2, NM_001350503.2 and 2 more transcripts); short protein forms T87S.
Identifiers: ClinVar variation 1484643 (VCV001484643.8), dbSNP rs2128098808, ClinGen allele CA365752220.

ClinVar aggregate classification (germline): Uncertain significance (1 of 4 stars; one submission).

Conditions:
Joubert syndrome. Also called: CEREBELLOPARENCHYMAL DISORDER IV; JOUBERT-BOLTSHAUSER SYNDROME; Familial aplasia of the vermis. Identifiers: Orphanet 475, MedGen C5979921, MONDO:0018772.

Allele frequency attached by ClinVar (database versions not stated): gnomAD exomes below 0.00001.
gnomAD v4.1: 1 of 1,613,894 alleles (0.000062%); highest among the groups gnomAD compares: Non-Finnish European, 0.000085%; no homozygotes.

Submission:

Labcorp Genetics (formerly Invitae), Labcorp
Classification: Uncertain significance for Joubert syndrome. Last evaluated: 2022-06-20. Review status: criteria provided, single submitter. Criteria: Invitae Variant Classification Sherloc (09022015). Collection method: clinical testing. Allele origin: germline.
Comment: In summary, the available evidence is currently insufficient to determine the role of this variant in disease. Therefore, it has been classified as a Variant of Uncertain Significance. Advanced modeling of protein sequence and biophysical properties (such as structural, functional, and spatial information, amino acid conservation, physicochemical variation, residue mobility, and thermodynamic stability) performed at Invitae indicates that this missense variant is not expected to disrupt AHI1 protein function. This variant has not been reported in the literature in individuals affected with AHI1-related conditions. This variant is not present in population databases (gnomAD no frequency). This sequence change replaces threonine, which is neutral and polar, with serine, which is neutral and polar, at codon 87 of the AHI1 protein (p.Thr87Ser).